The following is an entry in ClinVar:

ClinVar aggregate classification (germline): Pathogenic (1 of 4 stars; one submission).

Conditions:
Aicardi-Goutieres syndrome 2. Identifiers: Orphanet 51, MedGen C3489724, MONDO:0012429, OMIM 610181.

Submission:

Myriad Genetics, Inc.
Classification: Pathogenic for Aicardi-Goutieres syndrome 2. Last evaluated: 2025-04-07. Review status: criteria provided, single submitter. Criteria: Myriad Autosomal Dominant, Autosomal Recessive and X-Linked Classification Criteria (2023). Collection method: clinical testing. Allele origin: unknown.
Comment: NM_024570.3(RNASEH2B):c.683T>A(L228*) is expected to be pathogenic in the context of Aicardi-Goutieres syndrome, RNASEH2B-related. This variant is predicted to lead to an abnormal or absent protein product due to the creation of a premature termination codon in RNASEH2B, a gene where loss-of-function variants are known to be pathogenic. Please note: this variant was assessed in the context of healthy population screening.

NM_024570.4(RNASEH2B):c.683T>A (p.Leu228Ter)

Gene: RNASEH2B (ribonuclease H2 subunit B; plus strand). Cytogenetic location: 13q14.3.
Variant type: single nucleotide variant.
Coding change: c.683T>A on transcript NM_024570.4 (MANE Select); coding-DNA position 683, T replaced by A.
Protein change: p.Leu228Ter; replaces leucine 228 with a stop codon.
Molecular consequence: nonsense.
Genome position (GRCh38, 1-based): chr13:50,948,053, T>A. VCF-style: chr13-50948053-T-A. GRCh37 (hg19) VCF-style: chr13-51522189-T-A.
Other names: c.683T>A, p.Leu228Ter (NM_001142279.2, NM_001411023.1); short protein forms L228*.
Identifiers: ClinVar variation 5014312 (VCV005014312.1).